The following is an entry in ClinVar:

NM_001005337.3(PKP1):c.604C>T (p.Arg202Cys)

Gene: PKP1 (plakophilin 1; plus strand). Cytogenetic location: 1q32.1.
Variant type: single nucleotide variant.
Coding change: c.604C>T on transcript NM_001005337.3 (MANE Select); coding-DNA position 604, C replaced by T.
Protein change: p.Arg202Cys; replaces arginine 202 with cysteine.
Molecular consequence: missense variant.
Genome position (GRCh38, 1-based): chr1:201,313,463, C>T. VCF-style: chr1-201313463-C-T. GRCh37 (hg19) VCF-style: chr1-201282591-C-T.
Other names: c.604C>T, p.Arg202Cys (NM_000299.4); short protein forms R202C.
Identifiers: ClinVar variation 2071772 (VCV002071772.4), dbSNP rs144063217, ClinGen allele CA1324131.

ClinVar aggregate classification (germline): Uncertain significance (1 of 4 stars; one submission).

Allele frequency attached by ClinVar (database versions not stated): gnomAD 0.00002; ESP Exome Variant Server 0.00015.

Submission:

Labcorp Genetics (formerly Invitae), Labcorp
Classification: Uncertain significance. Last evaluated: 2024-05-22. Review status: criteria provided, single submitter. Criteria: Invitae Variant Classification Sherloc (09022015). Collection method: clinical testing. Allele origin: germline.
Comment: This sequence change replaces arginine, which is basic and polar, with cysteine, which is neutral and slightly polar, at codon 202 of the PKP1 protein (p.Arg202Cys). This variant is present in population databases (rs144063217, gnomAD 0.006%). This variant has not been reported in the literature in individuals affected with PKP1-related conditions. ClinVar contains an entry for this variant (Variation ID: 2071772). Advanced modeling of protein sequence and biophysical properties (such as structural, functional, and spatial information, amino acid conservation, physicochemical variation, residue mobility, and thermodynamic stability) has been performed at Invitae for this missense variant, however the output from this modeling did not meet the statistical confidence thresholds required to predict the impact of this variant on PKP1 protein function. In summary, the available evidence is currently insufficient to determine the role of this variant in disease. Therefore, it has been classified as a Variant of Uncertain Significance.